The following is an entry in ClinVar:

ClinVar aggregate classification (germline): Uncertain significance. Review status: criteria provided, multiple submitters, no conflicts (2 of 4 stars). 2 submissions from 2 submitters: Uncertain significance (2). Last evaluated 2024-05-20.

Conditions:
D-2-hydroxyglutaric aciduria 1 (D2HGA1). Identifiers: Orphanet 79315, MedGen C3152055, MONDO:0024554, OMIM 600721.
Inborn genetic diseases. Identifiers: MedGen C0950123, MeSH D030342.

Allele frequency attached by ClinVar (database versions not stated): gnomAD exomes below 0.00001.
gnomAD v4.1: 4 of 1,600,246 alleles (0.00025%); highest among the groups gnomAD compares: South Asian, 0.0011%; no homozygotes.

Submissions (2):

Ambry Genetics
Classification: Uncertain significance for Inborn genetic diseases. Last evaluated: 2024-05-20. Review status: criteria provided, single submitter. Criteria: Ambry Variant Classification Scheme 2023. Collection method: clinical testing. Allele origin: germline.

Labcorp Genetics (formerly Invitae), Labcorp
Classification: Uncertain significance for D-2-hydroxyglutaric aciduria 1. Last evaluated: 2022-02-19. Review status: criteria provided, single submitter. Criteria: Invitae Variant Classification Sherloc (09022015). Collection method: clinical testing. Allele origin: germline.
Comment: In summary, the available evidence is currently insufficient to determine the role of this variant in disease. Therefore, it has been classified as a Variant of Uncertain Significance. Algorithms developed to predict the effect of missense changes on protein structure and function are either unavailable or do not agree on the potential impact of this missense change (SIFT: "Deleterious"; PolyPhen-2: "Possibly Damaging"; Align-GVGD: "Class C0"). This variant has not been reported in the literature in individuals affected with D2HGDH-related conditions. This variant is not present in population databases (gnomAD no frequency). This sequence change replaces glycine, which is neutral and non-polar, with cysteine, which is neutral and slightly polar, at codon 509 of the D2HGDH protein (p.Gly509Cys).

NM_152783.5(D2HGDH):c.1525G>T (p.Gly509Cys)

Gene: D2HGDH (D-2-hydroxyglutarate dehydrogenase; plus strand). Cytogenetic location: 2q37.3.
Variant type: single nucleotide variant.
Coding change: c.1525G>T on transcript NM_152783.5 (MANE Select); coding-DNA position 1525, G replaced by T.
Protein change: p.Gly509Cys; replaces glycine 509 with cysteine.
Molecular consequence: missense variant. On other transcripts: non-coding transcript variant (1).
Genome position (GRCh38, 1-based): chr2:241,767,928, G>T. VCF-style: chr2-241767928-G-T. GRCh37 (hg19) VCF-style: chr2-242707343-G-T.
Other names: c.1525G>T (NM_152783.3); c.1123G>T, p.Gly375Cys (NM_001287249.2); c.964G>T, p.Gly322Cys (NM_001352824.2); short protein forms G322C, G375C, G509C.
Identifiers: ClinVar variation 2081223 (VCV002081223.5), dbSNP rs1699288629, ClinGen allele CA351413897.